The following is an entry in ClinVar:

NM_020338.4(ZMIZ1):c.2860C>G (p.Gln954Glu)

Gene: ZMIZ1 (zinc finger MIZ-type containing 1; plus strand). Cytogenetic location: 10q22.3.
Variant type: single nucleotide variant.
Coding change: c.2860C>G on transcript NM_020338.4 (MANE Select); coding-DNA position 2860, C replaced by G.
Protein change: p.Gln954Glu; replaces glutamine 954 with glutamic acid.
Molecular consequence: missense variant.
Genome position (GRCh38, 1-based): chr10:79,310,948, C>G. VCF-style: chr10-79310948-C-G. GRCh37 (hg19) VCF-style: chr10-81070705-C-G.
Other names: short protein forms Q954E.
Identifiers: ClinVar variation 2073796 (VCV002073796.4), dbSNP rs2492251550, ClinGen allele CA377344104.

ClinVar aggregate classification (germline): Uncertain significance (1 of 4 stars; one submission).

Submission:

Labcorp Genetics (formerly Invitae), Labcorp
Classification: Uncertain significance. Last evaluated: 2023-10-03. Review status: criteria provided, single submitter. Criteria: Invitae Variant Classification Sherloc (09022015). Collection method: clinical testing. Allele origin: germline.
Comment: This sequence change replaces glutamine, which is neutral and polar, with glutamic acid, which is acidic and polar, at codon 954 of the ZMIZ1 protein (p.Gln954Glu). This variant is not present in population databases (gnomAD no frequency). This variant has not been reported in the literature in individuals affected with ZMIZ1-related conditions. ClinVar contains an entry for this variant (Variation ID: 2073796). Advanced modeling of protein sequence and biophysical properties (such as structural, functional, and spatial information, amino acid conservation, physicochemical variation, residue mobility, and thermodynamic stability) performed at Invitae indicates that this missense variant is not expected to disrupt ZMIZ1 protein function. In summary, the available evidence is currently insufficient to determine the role of this variant in disease. Therefore, it has been classified as a Variant of Uncertain Significance.